The following is an entry in ClinVar:

NM_001318734.2(KLC2):c.693G>A (p.Thr231=)

Genes: KLC2 (kinesin light chain 2; plus strand), KLC2-AS1 (KLC2 antisense RNA 1; minus strand). Cytogenetic location: 11q13.2.
Variant type: single nucleotide variant.
Coding change: c.693G>A on transcript NM_001318734.2 (MANE Select); coding-DNA position 693, G replaced by A.
Protein change: p.Thr231=; no amino-acid change (threonine 231 retained).
Molecular consequence: synonymous variant.
Genome position (GRCh38, 1-based): chr11:66,262,977, G>A. VCF-style: chr11-66262977-G-A. GRCh37 (hg19) VCF-style: chr11-66030448-G-A.
Other names: c.462G>A, p.Thr154= (NM_001134774.2); c.693G>A, p.Thr231= (NM_001134775.2, NM_001134776.2, NM_022822.3).
Identifiers: ClinVar variation 716586 (VCV000716586.24), dbSNP rs371243262, ClinGen allele CA6117158.

ClinVar aggregate classification (germline): Likely benign. Review status: criteria provided, multiple submitters, no conflicts (2 of 4 stars). 2 submissions from 2 submitters: Likely benign (2). Last evaluated 2024-04-01.

Allele frequency attached by ClinVar (database versions not stated): ExAC 0.00004; gnomAD exomes 0.00006 and 0.00016; gnomAD 0.00007 and 0.00008; ESP Exome Variant Server 0.00008; TOPMed 0.00008; 1000 Genomes Project 30x 0.00016; 1000 Genomes Project 0.00020.
gnomAD v4.1: 248 of 1,614,088 alleles (0.015%); highest among the groups gnomAD compares: Non-Finnish European, 0.019%; no homozygotes.

Submissions (2):

CeGaT Center for Human Genetics Tuebingen
Classification: Likely benign. Last evaluated: 2024-04-01. Review status: criteria provided, single submitter. Criteria: CeGaT Center For Human Genetics Tuebingen Variant Classification Criteria Version 2. Collection method: clinical testing. Allele origin: germline. Affected: yes. Observed: 1 variant allele.
Comment: KLC2: BP4, BP7

Labcorp Genetics (formerly Invitae), Labcorp
Classification: Likely benign. Last evaluated: 2019-12-31. Review status: criteria provided, single submitter. Criteria: Invitae Variant Classification Sherloc (09022015). Collection method: clinical testing. Allele origin: germline.